The following is an entry in ClinVar:

NM_006493.4(CLN5):c.473G>C (p.Trp158Ser)

Gene: CLN5 (CLN5 lysosomal BMP synthase; plus strand). Cytogenetic location: 13q22.3.
Variant type: single nucleotide variant.
Coding change: c.473G>C on transcript NM_006493.4 (MANE Select); coding-DNA position 473, G replaced by C.
Protein change: p.Trp158Ser; replaces tryptophan 158 with serine.
Molecular consequence: missense variant.
Genome position (GRCh38, 1-based): chr13:76,996,035, G>C. VCF-style: chr13-76996035-G-C. GRCh37 (hg19) VCF-style: chr13-77570170-G-C.
Other names: c.473G>C, p.Trp158Ser (NM_001366624.2); c.620G>C (LRG_692t1); short protein forms W158S.
Identifiers: ClinVar variation 56542 (VCV000056542.3), dbSNP rs386833978, ClinGen allele CA263907.

ClinVar aggregate classification (germline): Likely pathogenic. Review status: criteria provided, single submitter (1 of 4 stars). 2 submissions from 2 submitters: Likely pathogenic (1). 1 of the submissions does not count toward it. Last evaluated 2026-01-14.

Conditions:
Neuronal ceroid lipofuscinosis. Also called: Neuronal Ceroid Lipofuscinoses. Identifiers: Orphanet 216, Orphanet 79263, MedGen C0027877, MONDO:0016295. Disease mechanism: loss of function.
Neuronal ceroid lipofuscinosis 5 (CLN5). Also called: CEROID LIPOFUSCINOSIS, NEURONAL, 5, VARIABLE AGE AT ONSET; Neuronal ceroid lipofuscinosis Finnish variant; NEURONAL CEROID LIPOFUSCINOSIS, LATE INFANTILE, FINNISH VARIANT; CLN5-Related Neuronal Ceroid-Lipofuscinosis. Identifiers: Orphanet 168491, Orphanet 228360, MedGen C1850442, MONDO:0009745, OMIM 256731.

Submissions (2):

Natera, Inc.
Classification: Likely pathogenic for Neuronal ceroid lipofuscinosis. Last evaluated: 2026-01-14. Review status: criteria provided, single submitter. Criteria: Natera Variant Classification Schema (03/2026). Collection method: clinical testing. Allele origin: germline.
Comment: The c.620G>C variant in CLN5 is a missense variant predicted to cause substitution of tryptophan to serine at amino acid 207. This variant is rare in the general population with a frequency below the threshold expected for the associated phenotype(s). This variant has been observed in one or more individuals affected with the associated recessive disease, as either homozygous or compound heterozygous with a second variant (PMID: 20157158). A different variant at the same position has been determined to be Pathogenic or Likely Pathogenic. Computational prediction algorithms indicate this variant is likely to affect gene or protein function. Given the available evidence, this variant is classified as Likely Pathogenic.

Juha Muilu Group; Institute for Molecular Medicine Finland (FIMM)
Classification: Likely pathogenic for Ceroid lipofuscinosis neuronal 5. Review status: no assertion criteria provided. Collection method: not provided. Allele origin: unknown. Not counted in ClinVar's aggregate classification.
Comment: FinDis database variant: This variant was not found or characterized by our laboratory, data were collected from public sources: see reference
ClinVar note: Converted during submission from probable-pathogenic to Likely pathogenic.

Literature cited by the submitters: PubMed 20157158 (cited by Natera, Inc.).